The following is an entry in ClinVar:

ClinVar aggregate classification (germline): Uncertain significance (1 of 4 stars; one submission).

Conditions:
Focal segmental glomerulosclerosis (FSGS). Also called: Glomerulosclerosis, focal; Focal sclerosis with hyalinosis. Identifiers: MedGen C0017668, MONDO:0100313, HP:0000097. Disease mechanism: loss of function.

gnomAD v4.1: 3 of 1,549,578 alleles (0.00019%); highest among the groups gnomAD compares: Non-Finnish European, 0.00026%; no homozygotes.

Submission:

Molecular Genetics, Royal Melbourne Hospital
Classification: Uncertain significance for Focal segmental glomerulosclerosis. Last evaluated: 2024-09-08. Review status: criteria provided, single submitter. Criteria: ACMG Guidelines, 2015. Collection method: clinical testing. Allele origin: germline. Inheritance: Autosomal recessive inheritance. Affected: yes.
Comment: This sequence change in CRB2 is predicted to replace leucine with phenylalanine at codon 248, p.(Leu248Phe). The leucine residue is weakly conserved (100 vertebrates, Multiz Alignments), and is located in the EGF-like 5 domain in a region (amino acids 246-249) highly intolerant to missense variation (Metadome). There is a small physicochemical difference between leucine and phenylalanine. The highest population minor allele frequency in the population database gnomAD v4.1 is 0.0003% (3/1,159,876 alleles) in the European (non-Finnish) population. To our knowledge, this variant has not been previously reported in the relevant scientific literature or databases. Computational evidence is uninformative for the missense substitution (REVEL = 0.483) and predicts no impact on splicing (SpliceAI) for the nucleotide change. Based on the classification scheme RMH Modified ACMG/AMP Guidelines v1.7.0, this variant is classified as a VARIANT OF UNCERTAIN SIGNIFICANCE. Following criteria are met: PM1, PM2_Supporting

NM_173689.7(CRB2):c.742C>T (p.Leu248Phe)

Gene: CRB2 (crumbs cell polarity complex component 2; plus strand). Cytogenetic location: 9q33.3.
Variant type: single nucleotide variant.
Coding change: c.742C>T on transcript NM_173689.7 (MANE Select); coding-DNA position 742, C replaced by T.
Protein change: p.Leu248Phe; replaces leucine 248 with phenylalanine.
Molecular consequence: missense variant.
Genome position (GRCh38, 1-based): chr9:123,366,354, C>T. VCF-style: chr9-123366354-C-T. GRCh37 (hg19) VCF-style: chr9-126128633-C-T.
Other names: short protein forms L248F.
Identifiers: ClinVar variation 3773798 (VCV003773798.1).